The following is an entry in ClinVar:

NM_000018.4(ACADVL):c.425T>C (p.Phe142Ser)

Gene: ACADVL (acyl-CoA dehydrogenase very long chain; plus strand). Cytogenetic location: 17p13.1.
Variant type: single nucleotide variant.
Coding change: c.425T>C on transcript NM_000018.4 (MANE Select); coding-DNA position 425, T replaced by C.
Protein change: p.Phe142Ser; replaces phenylalanine 142 with serine.
Molecular consequence: missense variant.
Genome position (GRCh38, 1-based): chr17:7,221,006, T>C. VCF-style: chr17-7221006-T-C. GRCh37 (hg19) VCF-style: chr17-7124325-T-C.
Other names: NM_000018.4(ACADVL):c.425T>C; c.359T>C, p.Phe120Ser (NM_001033859.3); c.494T>C, p.Phe165Ser (NM_001270447.2); c.197T>C, p.Phe66Ser (NM_001270448.2); short protein forms F142S, F66S, F165S, F120S.
Identifiers: ClinVar variation 92283 (VCV000092283.10), dbSNP rs398123088, ClinGen allele CA220207.

ClinVar aggregate classification (germline): Uncertain significance. Review status: reviewed by expert panel (3 of 4 stars). 4 submissions from 4 submitters: Uncertain significance (1). 3 of the submissions do not count toward it. Last evaluated 2022-12-14.

Conditions:
Very long chain acyl-CoA dehydrogenase deficiency (ACADVLD). Also called: VLCAD Deficiency; Very Long-Chain Acyl-Coenzyme A Dehydrogenase Deficiency. Identifiers: Orphanet 26793, MedGen C3887523, MONDO:0008723, OMIM 201475.

Submissions (4):

ClinGen ACADVL Variant Curation Expert Panel, ClinGen
Classification: Uncertain significance for Very long chain acyl-CoA dehydrogenase deficiency. Last evaluated: 2022-12-14. Review status: reviewed by expert panel. Criteria: clingen acadvl acmg specifications v1. Collection method: curation. Allele origin: germline. Inheritance: Autosomal recessive inheritance.
Comment: The c.425T>C variant in ACADVL is a missense variant predicted to cause substitution of phenylalanine by serine at amino acid 142 (p.Phe142Ser). This variant is absent from gnomAD v2.1.1 (PM2_Supporting). The computational predictor REVEL gives a score of 0.94, which is above the threshold 0.75, evidence that correlates with impact to ACADVL function (PP3). At least one patient with this variant displayed organic acidemia and fatty acid oxidation issues, which are highly specific for VLCAD deficiency (PP4, PMID: 27629047, PMID: 28980192). This individual was also reported homozygous for the variant (PMID: 27629047; points=0.5; PM3_supporting). In summary, this variant meets the criteria to be classified as VUS for autosomal recessive very long chain acyl-CoA dehydrogenase (VLCAD) deficiency based on the ACMG/AMP criteria applied, as specified by the ClinGen ACADVL Variant Curation Expert Panel: PM2,PM3_supporting PP3, PP4

Eurofins Ntd Llc (ga)
Classification: Uncertain significance. Last evaluated: 2013-07-31. Review status: criteria provided, single submitter. Criteria: EGL Classification Definitions 2015. Collection method: clinical testing. Allele origin: germline. Observed: 1 variant allele, 1 homozygote. Not counted in ClinVar's aggregate classification.

CENTOGENE GmbH and LLC - Guiding Precision Medicine
Classification: Likely pathogenic for Very long chain acyl-CoA dehydrogenase deficiency. Review status: criteria provided, single submitter. Criteria: ACMG Guidelines, 2015. Collection method: clinical testing. Allele origin: germline. Affected: yes. Not counted in ClinVar's aggregate classification.

Biochemical Molecular Genetic Laboratory, King Abdulaziz Medical City
Classification: Likely pathogenic for Very long chain acyl-CoA dehydrogenase deficiency. Last evaluated: 2019-01-29. Review status: no assertion criteria provided. Collection method: clinical testing. Allele origin: germline. Affected: yes. Not counted in ClinVar's aggregate classification.

Literature cited by the submitters: PubMed 32860008 (cited by CENTOGENE GmbH and LLC - Guiding Precision Medicine).